The following is an entry in ClinVar:

ClinVar aggregate classification (germline): Likely benign (1 of 4 stars; one submission).

Allele frequency attached by ClinVar (database versions not stated): gnomAD 0.00841 and 0.00876; 1000 Genomes Project 30x 0.00968; TOPMed 0.00974; 1000 Genomes Project 0.00998.
gnomAD v4.1: 1,270 of 152,206 alleles (0.83%); highest among the groups gnomAD compares: African/African-American, 2.8%; 15 homozygotes.

Submission:

GeneDx
Classification: Likely benign. Last evaluated: 2018-06-16. Review status: criteria provided, single submitter. Criteria: GeneDx Variant Classification (06012015). Collection method: clinical testing. Allele origin: germline. Affected: yes.
Comment: This variant is considered likely benign or benign based on one or more of the following criteria: it is a conservative change, it occurs at a poorly conserved position in the protein, it is predicted to be benign by multiple in silico algorithms, and/or has population frequency not consistent with disease.

NM_000289.6(PFKM):c.594-295A>G

Gene: PFKM (phosphofructokinase, muscle; plus strand). Cytogenetic location: 12q13.11.
Variant type: single nucleotide variant.
Coding change: c.594-295A>G on transcript NM_000289.6 (MANE Select); 295 bases into the intron before coding-DNA position 594, A replaced by G.
Molecular consequence: intron variant.
Genome position (GRCh38, 1-based): chr12:48,133,937, A>G. VCF-style: chr12-48133937-A-G. GRCh37 (hg19) VCF-style: chr12-48527720-A-G.
Other names: c.618-295A>G (NM_001354741.2); c.594-295A>G (NM_001354742.2, NM_001354743.2, NM_001354744.2 and 4 more transcripts); c.444-295A>G (NM_001354747.2, NM_001354748.2); c.807-295A>G (NM_001166686.2, NM_001354737.1, NM_001354739.1 and 1 more transcripts); c.903-295A>G (NM_001354736.1, NM_001354735.1); c.738-295A>G (NM_001354740.1); c.507-295A>G (NM_001354745.2).
Identifiers: ClinVar variation 673427 (VCV000673427.1), dbSNP rs146169140, ClinGen allele CA236510698.